The following is an entry in ClinVar:

NM_001369.3(DNAH5):c.4459G>A (p.Ala1487Thr)

Genes: DNAH5 (dynein axonemal heavy chain 5; minus strand), DNAH5-AS1 (DNAH5 antisense RNA 1; plus strand). Cytogenetic location: 5p15.2.
Variant type: single nucleotide variant.
Coding change: c.4459G>A on transcript NM_001369.3 (MANE Select); coding-DNA position 4459, G replaced by A.
Protein change: p.Ala1487Thr; replaces alanine 1487 with threonine.
Molecular consequence: missense variant.
Genome position (GRCh38, 1-based): chr5:13,864,534, C>T on the plus strand (G>A on the coding strand, the complement: DNAH5 is on the minus strand). VCF-style: chr5-13864534-C-T. GRCh37 (hg19) VCF-style: chr5-13864643-C-T.
Other names: c.4459G>A (NM_001369.2); short protein forms A1487T.
Identifiers: ClinVar variation 3693553 (VCV003693553.3).

ClinVar aggregate classification (germline): Uncertain significance. Review status: criteria provided, multiple submitters, no conflicts (2 of 4 stars). 2 submissions from 2 submitters: Uncertain significance (2). Last evaluated 2026-02-01.

Conditions:
Primary ciliary dyskinesia. Also called: Ciliary dyskinesia. Identifiers: Orphanet 244, MedGen C0008780, MONDO:0016575, HP:0012265.

gnomAD v4.1: 6 of 1,614,112 alleles (0.00037%); highest among the groups gnomAD compares: Admixed American, 0.0067%; no homozygotes.

Submissions (2):

Labcorp Genetics (formerly Invitae), Labcorp
Classification: Uncertain significance for Primary ciliary dyskinesia. Last evaluated: 2026-02-01. Review status: criteria provided, single submitter. Criteria: Invitae Variant Classification Sherloc (09022015). Collection method: clinical testing. Allele origin: germline.
Comment: This sequence change replaces alanine, which is neutral and non-polar, with threonine, which is neutral and polar, at codon 1487 of the DNAH5 protein (p.Ala1487Thr). This variant is not present in population databases (gnomAD no frequency). This variant has not been reported in the literature in individuals affected with DNAH5-related conditions. ClinVar contains an entry for this variant (Variation ID: 3693553). Invitae Evidence Modeling of protein sequence and biophysical properties (such as structural, functional, and spatial information, amino acid conservation, physicochemical variation, residue mobility, and thermodynamic stability) indicates that this missense variant is not expected to disrupt DNAH5 protein function with a negative predictive value of 95%. In summary, the available evidence is currently insufficient to determine the role of this variant in disease. Therefore, it has been classified as a Variant of Uncertain Significance.

Ambry Genetics
Classification: Uncertain significance for Primary ciliary dyskinesia. Last evaluated: 2025-12-30. Review status: criteria provided, single submitter. Criteria: Ambry Variant Classification Scheme 2023. Collection method: clinical testing. Allele origin: germline.